The following is an entry in ClinVar:

NM_014975.3(MAST1):c.2439C>A (p.Asp813Glu)

Genes: MAST1 (microtubule associated serine/threonine kinase 1; plus strand), LOC112543452 (Sharpr-MPRA regulatory region 6054; plus strand). Cytogenetic location: 19p13.13.
Variant type: single nucleotide variant.
Coding change: c.2439C>A on transcript NM_014975.3 (MANE Select); coding-DNA position 2439, C replaced by A.
Protein change: p.Asp813Glu; replaces aspartic acid 813 with glutamic acid.
Molecular consequence: missense variant.
Genome position (GRCh38, 1-based): chr19:12,867,850, C>A. VCF-style: chr19-12867850-C-A. GRCh37 (hg19) VCF-style: chr19-12978664-C-A.
Other names: short protein forms D813E.
Identifiers: ClinVar variation 4983634 (VCV004983634.1).

ClinVar aggregate classification (germline): Uncertain significance (1 of 4 stars; one submission).

Conditions:
MAST1-related disorder. Also called: MAST1-related condition.

gnomAD v4.1: 1 of 1,605,906 alleles (0.000062%); highest among the groups gnomAD compares: Admixed American, 0.0017%; no homozygotes.

Submission:

PreventionGenetics, part of Exact Sciences
Classification: Uncertain significance for MAST1-related condition. Last evaluated: 2025-08-07. Review status: criteria provided, single submitter. Criteria: ACMG Guidelines, 2015. Collection method: clinical testing. Allele origin: germline.
Comment: The MAST1 c.2439C>A variant is predicted to result in the amino acid substitution p.Asp813Glu. To our knowledge, this variant has not been reported in the literature or in a large population database (gnomAD), indicating this variant is rare. At this time, the clinical significance of this variant is uncertain due to the absence of conclusive functional and genetic evidence.